The following is an entry in ClinVar:

ClinVar aggregate classification (germline): Pathogenic. Review status: criteria provided, multiple submitters, no conflicts (2 of 4 stars). 3 submissions from 3 submitters: Pathogenic (3). Last evaluated 2025-12-09.

Conditions:
Cardiovascular phenotype. Identifiers: MedGen CN230736.
Cardiomyopathy, familial hypertrophic 27. Identifiers: MedGen C4748014, MONDO:0054838, OMIM 618052.

Submissions (3):

Labcorp Genetics (formerly Invitae), Labcorp
Classification: Pathogenic. Last evaluated: 2025-12-09. Review status: criteria provided, single submitter. Criteria: Invitae Variant Classification Sherloc (09022015). Collection method: clinical testing. Allele origin: germline.
Comment: This sequence change creates a premature translational stop signal (p.Gly948Valfs*6) in the ALPK3 gene. It is expected to result in an absent or disrupted protein product. Loss-of-function variants in ALPK3 are known to be pathogenic (PMID: 21441111, 26846950, 27106955, 34263907). This variant is not present in population databases (gnomAD no frequency). This premature translational stop signal has been observed in individual(s) with pediatric dilated cardiomyopathy (internal data). In at least one individual the data is consistent with being in trans (on the opposite chromosome) from a pathogenic variant. ClinVar contains an entry for this variant (Variation ID: 648292). For these reasons, this variant has been classified as Pathogenic.

Victorian Clinical Genetics Services, Murdoch Childrens Research Institute
Classification: Pathogenic for Cardiomyopathy, familial hypertrophic 27. Last evaluated: 2024-10-10. Review status: criteria provided, single submitter. Criteria: ACMG Guidelines, 2015. Collection method: clinical testing. Allele origin: germline. Inheritance: Autosomal recessive inheritance. Affected: yes.
Comment: Based on the classification scheme VCGS_Germline_v1.3.4, this variant is classified as Pathogenic. Following criteria are met: 0102 - Loss of function is a known mechanism of disease in this gene and is associated with familial hypertrophic cardiomyopathy 27 (MIM#618052). (I) 0108 - This gene is associated with both recessive and dominant disease (PMIDs: 32480058, 34263907, 38356193). (I) 0112 - The condition associated with this gene has incomplete penetrance. Age-dependent penetrance has been observed in the autosomal dominant condition (PMIDs: 32480058, 34263907, 38356193). (I) 0201 - Variant is predicted to cause nonsense-mediated decay (NMD) and loss of protein (premature termination codon is located at least 54 nucleotides upstream of the final exon-exon junction). (SP) 0251 - This variant is heterozygous. (I) 0301 - Variant is absent from gnomAD (both v2 and v3). (SP) 0701 - Other premature termination variants comparable to the one identified in this case have very strong previous evidence for pathogenicity. Many NMD-predicted variants in this gene have been reported as likely pathogenic/pathogenic (ClinVar). Monoallelic NMD-predicted ALPK3 variants have also been reported in adults with hypertrophic cardiomyopathy with age-dependent penetrance (PMIDs: 32480058, 34263907). (SP) 0803 - This variant has limited previous evidence of pathogenicity in an unrelated individual. It has been reported as pathogenic in an individual with paediatric dilated cardiomyopathy who had another pathogenic variant in trans (ClinVar). (SP) 0905 - No published segregation evidence has been identified for this variant. (I) 1007 - No published functional evidence has been identified for this variant. (I) 1208 - Inheritance information for this variant is not currently available in this individual. (I) Legend: (SP) - Supporting pathogenic, (I) - Information, (SB) - Supporting benign

Ambry Genetics
Classification: Pathogenic for Cardiovascular phenotype. Last evaluated: 2023-06-13. Review status: criteria provided, single submitter. Criteria: Ambry Variant Classification Scheme 2023. Collection method: clinical testing. Allele origin: germline.
Comment: The c.2843delG pathogenic mutation, located in coding exon 6 of the ALPK3 gene, results from a deletion of one nucleotide at nucleotide position 2843, causing a translational frameshift with a predicted alternate stop codon (p.G948Vfs*6). This variant is considered to be rare based on population cohorts in the Genome Aggregation Database (gnomAD). This alteration is expected to result in loss of function by premature protein truncation or nonsense-mediated mRNA decay. As such, this alteration is interpreted as a disease-causing mutation.

Literature cited by the submitters: PubMed 21441111 (cited by Labcorp Genetics (formerly Invitae), Labcorp); PubMed 26846950 (cited by Labcorp Genetics (formerly Invitae), Labcorp); PubMed 27106955 (cited by Labcorp Genetics (formerly Invitae), Labcorp); PubMed 34263907 (cited by Labcorp Genetics (formerly Invitae), Labcorp and Victorian Clinical Genetics Services, Murdoch Childrens Research Institute); PubMed 32480058 (cited by Victorian Clinical Genetics Services, Murdoch Childrens Research Institute); PubMed 38356193 (cited by Victorian Clinical Genetics Services, Murdoch Childrens Research Institute).

NM_020778.5(ALPK3):c.2237del (p.Gly746fs)

Gene: ALPK3 (alpha kinase 3; plus strand). Cytogenetic location: 15q25.3.
Variant type: Deletion.
Coding change: c.2237del on transcript NM_020778.5 (MANE Select); coding-DNA position 2237, one base deleted (G; older notation c.2237delG).
Protein change: p.Gly746fs; shifts the reading frame from glycine 746.
Molecular consequence: frameshift variant.
Genome position (GRCh38, 1-based): chr15:84,856,975, G deleted; the last of 3 consecutive G bases (chr15:84,856,973-84,856,975); deleting any one gives the same sequence. VCF-style (leftmost placement, unchanged base first): chr15-84856972-CG-C. GRCh37 (hg19) VCF-style: chr15-85400203-CG-C.
Other names: c.2843delG (NM_020778.4); short protein forms G746fs.
Identifiers: ClinVar variation 648292 (VCV000648292.15), dbSNP rs1596155145, ClinGen allele CA915946111.